The following is an entry in ClinVar:

NC_000016.10:g.(?_89814510)_(89816625_?)del

Gene: FANCA (FA complementation group A; minus strand). Cytogenetic location: 16q24.3.
Variant type: Deletion.
Identifiers: ClinVar variation 832886 (VCV000832886.1).

ClinVar aggregate classification (germline): Pathogenic (1 of 4 stars; one submission).

Conditions:
Fanconi anemia (FA). Also called: Fanconi's anemia. Identifiers: Orphanet 84, MedGen C0015625, MeSH D005199, MONDO:0019391.

Submission:

Labcorp Genetics (formerly Invitae), Labcorp
Classification: Pathogenic for Fanconi anemia. Last evaluated: 2019-08-26. Review status: criteria provided, single submitter. Criteria: Invitae Variant Classification Sherloc (09022015). Collection method: clinical testing. Allele origin: germline.
Comment: This variant is a gross deletion of the genomic region encompassing exons 1-3 of the FANCA gene, which includes the initiator codon. The 5' end of this event is unknown as it extends beyond the assayed region for this gene and therefore may encompass additional genes. The 3' boundary is likely confined to intron 3 of the FANCA gene. This is expected to result in an absent or disrupted protein product. A deletion of exons 1-3 has been reported in an individual affected with Fanconi anemia (PMID: 21273304). Loss-of-function variants in FANCA are known to be pathogenic (PMID: 19367192). For these reasons, this variant has been classified as Pathogenic.

Literature cited by the submitters: PubMed 21273304.